The following is an entry in ClinVar:

NM_000465.4(BARD1):c.1314+14T>C

Gene: BARD1 (BRCA1 associated RING domain 1; minus strand). Cytogenetic location: 2q35.
Variant type: single nucleotide variant.
Coding change: c.1314+14T>C on transcript NM_000465.4 (MANE Select); 14 bases into the intron after coding-DNA position 1314, T replaced by C.
Molecular consequence: intron variant.
Genome position (GRCh38, 1-based): chr2:214,780,546, A>G on the plus strand (T>C on the coding strand, the complement: BARD1 is on the minus strand). VCF-style: chr2-214780546-A-G. GRCh37 (hg19) VCF-style: chr2-215645270-A-G.
Other names: c.1314+14T>C (LRG_297t1); c.159-27991T>C (NM_001282548.2); c.1257+14T>C (NM_001282543.2); c.215+16515T>C (NM_001282545.2); c.364+11751T>C (NM_001282549.2).
Identifiers: ClinVar variation 246138 (VCV000246138.3), dbSNP rs879254117, ClinGen allele CA10584177.

ClinVar aggregate classification (germline): Conflicting classifications of pathogenicity. Review status: criteria provided, conflicting classifications (1 of 4 stars). 2 submissions from 2 submitters: Uncertain significance (1); Likely benign (1). Last evaluated 2025-05-25.

Conditions:
Familial cancer of breast. Also called: BREAST CANCER, FAMILIAL; Hereditary breast cancer; hereditary breast carcinoma. Identifiers: Orphanet 227535, MedGen C0346153, MONDO:0016419, OMIM 114480. Disease mechanism: loss of function.

Allele frequency attached by ClinVar (database versions not stated): gnomAD exomes below 0.00001.
gnomAD v4.1: 1 of 1,609,146 alleles (0.000062%); highest among the groups gnomAD compares: Non-Finnish European, 0.000085%; no homozygotes.

Submissions (2):

Labcorp Genetics (formerly Invitae), Labcorp
Classification: Likely benign for Familial cancer of breast. Last evaluated: 2025-05-25. Review status: criteria provided, single submitter. Criteria: Invitae Variant Classification Sherloc (09022015). Collection method: clinical testing. Allele origin: germline.

GeneDx
Classification: Uncertain significance. Last evaluated: 2015-11-19. Review status: criteria provided, single submitter. Criteria: GeneDx Variant Classification (06012015). Collection method: clinical testing. Allele origin: germline. Affected: yes.
Comment: This variant is denoted BARD1 c.1314+14T>C or IVS4+14T>C and consists of a T>C nucleotide substitution at the +14 position of intron 4 of the BARD1 gene. This variant is not predicted to affect splicing. BARD1 c.1314+14T>C was not observed in approximately 6,500 individuals of European and African American ancestry in the NHLBI Exome Sequencing Project, suggesting it is not a common benign variant in these populations. This variant has not, to our knowledge, been published in the literature as pathogenic or benign. The thymine (T) nucleotide that is altered is conserved across species. Based on currently available information, it is unclear whether BARD1 c.1314+14T>C is pathogenic or benign.